The following is an entry in ClinVar:

ClinVar aggregate classification (germline): Uncertain significance (1 of 4 stars; one submission).

Conditions:
Ehlers-Danlos syndrome, type 4 (EDSVASC). Also called: Ehlers-Danlos Syndrome Type IV; Ehlers-Danlos syndrome vascular type; Ehlers Danlos syndrome, ecchymotic type; Ehlers Danlos syndrome, arterial type; Ehlers Danlos syndrome, Sack-Barabas type. Identifiers: Orphanet 286, MedGen C0268338, MONDO:0017314, OMIM 130050.

Submission:

Labcorp Genetics (formerly Invitae), Labcorp
Classification: Uncertain significance for Ehlers-Danlos syndrome, type 4. Last evaluated: 2016-08-24. Review status: criteria provided, single submitter. Criteria: Invitae Variant Classification Sherloc (09022015). Collection method: clinical testing. Allele origin: germline.
Comment: In summary, this variant is a novel missense change with uncertain impact on protein function. It has been classified as a Variant of Uncertain Significance. Algorithms developed to predict the effect of missense changes on protein structure and function do not agree on the potential impact of this missense change (SIFT: "Deleterious"; PolyPhen-2: "probably_damaging"; Align-GVGD: "Class C0"). This variant is not present in population databases (ExAC no frequency) and has not been reported in the literature in individuals with a COL3A1-related disease. This sequence change replaces glutamine with leucine at codon 37 of the COL3A1 protein (p.Gln37Leu). The glutamine residue is highly conserved and there is a moderate physicochemical difference between glutamine and leucine.

NM_000090.4(COL3A1):c.110A>T (p.Gln37Leu)

Gene: COL3A1 (collagen type III alpha 1 chain; plus strand). Cytogenetic location: 2q32.2.
Variant type: single nucleotide variant.
Coding change: c.110A>T on transcript NM_000090.4 (MANE Select); coding-DNA position 110, A replaced by T.
Protein change: p.Gln37Leu; replaces glutamine 37 with leucine.
Molecular consequence: missense variant.
Genome position (GRCh38, 1-based): chr2:188,984,790, A>T. VCF-style: chr2-188984790-A-T. GRCh37 (hg19) VCF-style: chr2-189849516-A-T.
Other names: short protein forms Q37L.
Identifiers: ClinVar variation 404307 (VCV000404307.9), dbSNP rs1060500205, ClinGen allele CA16610630.